The following is an entry in ClinVar:

NM_004415.4(DSP):c.6274G>A (p.Ala2092Thr)

Gene: DSP (desmoplakin; plus strand). Cytogenetic location: 6p24.3.
Variant type: single nucleotide variant.
Coding change: c.6274G>A on transcript NM_004415.4 (MANE Select); coding-DNA position 6274, G replaced by A.
Protein change: p.Ala2092Thr; replaces alanine 2092 with threonine.
Molecular consequence: missense variant.
Genome position (GRCh38, 1-based): chr6:7,583,536, G>A. VCF-style: chr6-7583536-G-A. GRCh37 (hg19) VCF-style: chr6-7583769-G-A.
Other names: c.4477G>A, p.Ala1493Thr (NM_001008844.3); c.4945G>A, p.Ala1649Thr (NM_001319034.2); short protein forms A1493T, A2092T, A1649T.
Identifiers: ClinVar variation 2587390 (VCV002587390.2), dbSNP rs1759523497, ClinGen allele CA362690449.

ClinVar aggregate classification (germline): Uncertain significance (1 of 4 stars; one submission).

Conditions:
Cardiovascular phenotype. Identifiers: MedGen CN230736.

Submission:

Ambry Genetics
Classification: Uncertain significance for Cardiovascular phenotype. Last evaluated: 2023-07-13. Review status: criteria provided, single submitter. Criteria: Ambry Variant Classification Scheme 2023. Collection method: clinical testing. Allele origin: germline.
Comment: The p.A2092T variant (also known as c.6274G>A), located in coding exon 24 of the DSP gene, results from a G to A substitution at nucleotide position 6274. The alanine at codon 2092 is replaced by threonine, an amino acid with similar properties. This amino acid position is conserved. In addition, the in silico prediction for this alteration is inconclusive. Since supporting evidence is limited at this time, the clinical significance of this alteration remains unclear.